The following is an entry in ClinVar:

ClinVar aggregate classification (germline): Benign. Review status: criteria provided, multiple submitters, no conflicts (2 of 4 stars). 3 submissions from 3 submitters: Benign (3). Last evaluated 2018-06-18.

Conditions:
Cortical dysplasia-focal epilepsy syndrome (PTHSL1). Also called: Pitt-Hopkins-like syndrome 1. Identifiers: Orphanet 163681, Orphanet 221150, MedGen C2750246, MONDO:0012400, OMIM 610042.

Allele frequency attached by ClinVar (database versions not stated): 1000 Genomes Project 0.66074; 1000 Genomes Project 30x 0.66177; gnomAD 0.71838; TOPMed 0.72777.
gnomAD v4.1: 416,945 of 545,628 alleles (76%); highest among the groups gnomAD compares: Admixed American, 82%; 161,774 homozygotes.

Submissions (3):

GeneDx
Classification: Benign. Last evaluated: 2018-06-18. Review status: criteria provided, single submitter. Criteria: GeneDx Variant Classification Process June 2021. Collection method: clinical testing. Allele origin: germline. Affected: yes.

Illumina Laboratory Services, Illumina
Classification: Benign for Cortical dysplasia-focal epilepsy syndrome. Last evaluated: 2018-01-13. Review status: criteria provided, single submitter. Criteria: ICSL Variant Classification Criteria 13 December 2019. Collection method: clinical testing. Allele origin: germline.
Comment: This variant was observed in the ICSL laboratory as part of a predisposition screen in an ostensibly healthy population. It had not been previously curated by ICSL or reported in the Human Gene Mutation Database (HGMD: prior to June 1st, 2018), and was therefore a candidate for classification through an automated scoring system. Utilizing variant allele frequency, disease prevalence and penetrance estimates, and inheritance mode, an automated score was calculated to assess if this variant is too frequent to cause the disease. Based on the score and internal cut-off values, a variant classified as benign is not then subjected to further curation. The score for this variant resulted in a classification of benign for this disease.

Breakthrough Genomics
Classification: Benign. Review status: criteria provided, single submitter. Criteria: ACMG Guidelines, 2015. Collection method: not provided. Allele origin: germline. Inheritance: Autosomal recessive inheritance. Affected: yes.

NM_014141.6(CNTNAP2):c.*279C>A

Gene: CNTNAP2 (contactin associated protein 2; plus strand). Cytogenetic location: 7q36.1.
Variant type: single nucleotide variant.
Coding change: c.*279C>A on transcript NM_014141.6 (MANE Select); 279 bases downstream of the stop codon, C replaced by A.
Molecular consequence: 3 prime UTR variant.
Genome position (GRCh38, 1-based): chr7:148,415,895, C>A. VCF-style: chr7-148415895-C-A. GRCh37 (hg19) VCF-style: chr7-148112987-C-A.
Identifiers: ClinVar variation 359202 (VCV000359202.9), dbSNP rs987456, ClinGen allele CA10628405.
Genomic context (GRCh38, chr7:148,415,895, plus strand): 5'-AAAACAAAATAATACAAAAAATGCTTTTAGAGTTTAAGCAATGGTTGAAATTTGTAGGTA[C>A]TATCTGTCTTATTTTGTGTGTGTTTAGAGGTGTTCTAAAGACCCGTGGTAACAGGGCAAG-3'